The following is an entry in ClinVar:

NM_173495.3(PTCHD1):c.2317T>G (p.Ser773Ala)

Gene: PTCHD1 (patched domain containing 1; plus strand). Cytogenetic location: Xp22.11.
Variant type: single nucleotide variant.
Coding change: c.2317T>G on transcript NM_173495.3 (MANE Select); coding-DNA position 2317, T replaced by G.
Protein change: p.Ser773Ala; replaces serine 773 with alanine.
Molecular consequence: missense variant.
Genome position (GRCh38, 1-based): chrX:23,393,835, T>G. VCF-style: chrX-23393835-T-G. GRCh37 (hg19) VCF-style: chrX-23411952-T-G.
Other names: short protein forms S773A.
Identifiers: ClinVar variation 722279 (VCV000722279.4), dbSNP rs777798588, ClinGen allele CA10369230.

ClinVar aggregate classification (germline): Benign/Likely benign. Review status: criteria provided, multiple submitters, no conflicts (2 of 4 stars). 2 submissions from 2 submitters: Benign (1); Likely benign (1). Last evaluated 2026-08-01.

Allele frequency attached by ClinVar (database versions not stated): gnomAD 0.00003; gnomAD exomes 0.00004 and 0.00022; TOPMed 0.00005; ExAC 0.00021.
gnomAD v4.1: 43 of 1,209,080 alleles (0.0036%); highest among the groups gnomAD compares: Admixed American, 0.094%; no homozygotes.

Submissions (2):

CeGaT Center for Human Genetics Tuebingen
Classification: Likely benign. Last evaluated: 2026-08-01. Review status: criteria provided, single submitter. Criteria: CeGaT Center For Human Genetics Tuebingen Variant Classification Criteria Version 2. Collection method: clinical testing. Allele origin: germline. Affected: yes. Observed: 1 variant allele.
Comment: PTCHD1: BS2

Labcorp Genetics (formerly Invitae), Labcorp
Classification: Benign. Last evaluated: 2018-01-31. Review status: criteria provided, single submitter. Criteria: Invitae Variant Classification Sherloc (09022015). Collection method: clinical testing. Allele origin: germline.